The following is an entry in ClinVar:

ClinVar aggregate classification (germline): Benign/Likely benign. Review status: criteria provided, multiple submitters, no conflicts (2 of 4 stars). 2 submissions from 2 submitters: Benign (1); Likely benign (1). Last evaluated 2024-10-12.

Conditions:
Hereditary diffuse gastric adenocarcinoma (HDGC). Also called: DIFFUSE GASTRIC AND LOBULAR BREAST CANCER SYNDROME. Identifiers: Orphanet 26106, MedGen C1708349, MONDO:0007648, OMIM 137215.
Hereditary cancer-predisposing syndrome. Also called: Hereditary Cancer Syndrome; Hereditary neoplastic syndrome; Neoplastic Syndromes, Hereditary; Tumor predisposition. Identifiers: Orphanet 140162, MedGen C0027672, MeSH D009386, MONDO:0015356.

Submissions (2):

Ambry Genetics
Classification: Likely benign for Hereditary cancer-predisposing syndrome. Last evaluated: 2024-10-12. Review status: criteria provided, single submitter. Criteria: Ambry Variant Classification Scheme 2023. Collection method: clinical testing. Allele origin: germline.

Myriad Genetics, Inc.
Classification: Benign for Hereditary diffuse gastric adenocarcinoma. Last evaluated: 2024-10-10. Review status: criteria provided, single submitter. Criteria: Myriad Autosomal Dominant, Autosomal Recessive and X-Linked Classification Criteria (2023). Collection method: clinical testing. Allele origin: unknown.
Comment: This variant is considered benign. This variant is a silent/synonymous amino acid change and it is not expected to impact splicing.

NM_001903.5(CTNNA1):c.1086T>C (p.Asp362=)

Gene: CTNNA1 (catenin alpha 1; plus strand). Cytogenetic location: 5q31.2.
Variant type: single nucleotide variant.
Coding change: c.1086T>C on transcript NM_001903.5 (MANE Select); coding-DNA position 1086, T replaced by C.
Protein change: p.Asp362=; no amino-acid change (aspartic acid 362 retained).
Molecular consequence: synonymous variant. On other transcripts: 5 prime UTR variant (26), intron variant (2).
Genome position (GRCh38, 1-based): chr5:138,886,235, T>C. VCF-style: chr5-138886235-T-C. GRCh37 (hg19) VCF-style: chr5-138221924-T-C.
Other names: c.1086T>C, p.Asp362= (NM_001290307.3, NM_001323982.2, NM_001323983.1 and 3 more transcripts); c.777T>C, p.Asp259= (NM_001290309.3); c.717T>C, p.Asp239= (NM_001290310.3); c.-25T>C (NM_001290312.1, NM_001323987.1, NM_001323988.1 and 18 more transcripts); c.-422T>C (NM_001324006.1, NM_001324007.1, NM_001324008.1 and 1 more transcripts); c.-297T>C (NM_001324013.1); c.-58+10638T>C (NM_001324012.1); c.-61+10638T>C (NM_001324010.1).
Identifiers: ClinVar variation 3498252 (VCV003498252.2).